The following is an entry in ClinVar:

NM_001113378.2(FANCI):c.811A>G (p.Ile271Val)

Gene: FANCI (FA complementation group I; plus strand). Cytogenetic location: 15q26.1.
Variant type: single nucleotide variant.
Coding change: c.811A>G on transcript NM_001113378.2 (MANE Select); coding-DNA position 811, A replaced by G.
Protein change: p.Ile271Val; replaces isoleucine 271 with valine.
Molecular consequence: missense variant.
Genome position (GRCh38, 1-based): chr15:89,268,454, A>G. VCF-style: chr15-89268454-A-G. GRCh37 (hg19) VCF-style: chr15-89811685-A-G.
Other names: c.532A>G, p.Ile178Val (NM_001376910.1); c.811A>G, p.Ile271Val (NM_001376911.1, NM_018193.3); short protein forms I178V, I271V.
Identifiers: ClinVar variation 936577 (VCV000936577.8), dbSNP rs778263817, ClinGen allele CA7722775.
Genomic context (GRCh38, chr15:89,268,454, plus strand): 5'-TTTAGGCTATTGGATGTTGTCACTGTGCCATCAGGTGAACTTCGTCATGTGGAAGGCACC[A>G]TTATTCTACACATTGTGTTTGCCATCAAATTGGACTATGAACTAGGCAGAGAACTCGTGA-3'
Protein context (NP_001106849.1, residues 261-281): SGELRHVEGT[Ile271Val]ILHIVFAIKL

ClinVar aggregate classification (germline): Uncertain significance. Review status: criteria provided, multiple submitters, no conflicts (2 of 4 stars). 2 submissions from 2 submitters: Uncertain significance (2). Last evaluated 2023-04-13.

Conditions:
Fanconi anemia complementation group I (FANCI). Also called: FANCI-Related Fanconi Anemia. Identifiers: Orphanet 84, MedGen C1836861, MONDO:0012186, OMIM 609053.
Fanconi anemia (FA). Also called: Fanconi's anemia. Identifiers: Orphanet 84, MedGen C0015625, MeSH D005199, MONDO:0019391.

Allele frequency attached by ClinVar (database versions not stated): gnomAD 0.00001; gnomAD exomes 0.00001; TOPMed 0.00001; ExAC 0.00002.
gnomAD v4.1: 11 of 1,614,046 alleles (0.00068%); highest among the groups gnomAD compares: African/African-American, 0.0013%; no homozygotes.

Submissions (2):

Labcorp Genetics (formerly Invitae), Labcorp
Classification: Uncertain significance for Fanconi anemia. Last evaluated: 2023-04-13. Review status: criteria provided, single submitter. Criteria: Invitae Variant Classification Sherloc (09022015). Collection method: clinical testing. Allele origin: germline.
Comment: In summary, the available evidence is currently insufficient to determine the role of this variant in disease. Therefore, it has been classified as a Variant of Uncertain Significance. This sequence change replaces isoleucine, which is neutral and non-polar, with valine, which is neutral and non-polar, at codon 271 of the FANCI protein (p.Ile271Val). This variant is present in population databases (rs778263817, gnomAD 0.007%). This variant has not been reported in the literature in individuals affected with FANCI-related conditions. ClinVar contains an entry for this variant (Variation ID: 936577). Advanced modeling of protein sequence and biophysical properties (such as structural, functional, and spatial information, amino acid conservation, physicochemical variation, residue mobility, and thermodynamic stability) performed at Invitae indicates that this missense variant is not expected to disrupt FANCI protein function.

Fulgent Genetics
Classification: Uncertain significance for Fanconi anemia complementation group I. Last evaluated: 2021-08-30. Review status: criteria provided, single submitter. Criteria: ACMG Guidelines, 2015. Collection method: clinical testing. Allele origin: unknown.